The following is an entry in ClinVar:

ClinVar aggregate classification (germline): Uncertain significance. Review status: criteria provided, multiple submitters, no conflicts (2 of 4 stars). 3 submissions from 3 submitters: Uncertain significance (3). Last evaluated 2025-03-16.

Conditions:
Inborn genetic diseases. Identifiers: MedGen C0950123, MeSH D030342.
Pulmonary fibrosis and/or bone marrow failure, Telomere-related, 3. Also called: PULMONARY FIBROSIS AND/OR BONE MARROW FAILURE SYNDROME, TELOMERE-RELATED, 3. Identifiers: Orphanet 2032, MedGen C4225346, MONDO:0014613, OMIM 616373.
Dyskeratosis congenita, autosomal recessive 5 (DKCB5). Identifiers: MedGen C3554656, MONDO:0014076, OMIM 615190.
Dyskeratosis congenita. Identifiers: Orphanet 1775, MedGen C0265965, MONDO:0015780.

Allele frequency attached by ClinVar (database versions not stated): gnomAD exomes 0.00001 and 0.00006; TOPMed 0.00002; gnomAD 0.00003 and 0.00004; ExAC 0.00006.
gnomAD v4.1: 23 of 1,559,838 alleles (0.0015%); highest among the groups gnomAD compares: Admixed American, 0.024%; no homozygotes.

Submissions (3):

Labcorp Genetics (formerly Invitae), Labcorp
Classification: Uncertain significance for Dyskeratosis congenita, autosomal recessive 5; Pulmonary fibrosis and/or bone marrow failure, Telomere-related, 3. Last evaluated: 2025-03-16. Review status: criteria provided, single submitter. Criteria: Invitae Variant Classification Sherloc (09022015). Collection method: clinical testing. Allele origin: germline.
Comment: This sequence change replaces alanine, which is neutral and non-polar, with valine, which is neutral and non-polar, at codon 1195 of the RTEL1 protein (p.Ala1195Val). This variant is present in population databases (rs778286683, gnomAD 0.03%). This variant has not been reported in the literature in individuals affected with RTEL1-related conditions. ClinVar contains an entry for this variant (Variation ID: 1692633). An algorithm developed to predict the effect of missense changes on protein structure and function (PolyPhen-2) suggests that this variant is likely to be tolerated. In summary, the available evidence is currently insufficient to determine the role of this variant in disease. Therefore, it has been classified as a Variant of Uncertain Significance.

Ambry Genetics
Classification: Uncertain significance for Inborn genetic diseases. Last evaluated: 2021-12-13. Review status: criteria provided, single submitter. Criteria: Ambry Variant Classification Scheme 2023. Collection method: clinical testing. Allele origin: germline.
Comment: The p.A1219V variant (also known as c.3656C>T), located in coding exon 33 of the RTEL1 gene, results from a C to T substitution at nucleotide position 3656. The alanine at codon 1219 is replaced by valine, an amino acid with similar properties. This amino acid position is conserved. In addition, this alteration is predicted to be tolerated by in silico analysis. Since supporting evidence is limited at this time, the clinical significance of this alteration remains unclear.

Sema4
Classification: Uncertain significance for Dyskeratosis congenita. Last evaluated: 2021-09-25. Review status: criteria provided, single submitter. Criteria: Sema4 Curation Guidelines. Collection method: curation. Allele origin: germline.
Comment: The RTEL1 c.3584C>T (p.A1195V) variant has not been reported in the literature to our knowledge. It was observed in 9/29784 chromosomes of the Latino subpopulation, with no homozygotes, in the large and broad cohorts of the Genome Aggregation Database (PMID: 32461654). The variant has not been reported in ClinVar. Functional studies have not been performed, and in silico predictions of the variant's effect on protein function are inconclusive. The evidence is insufficient to meet ACMG/AMP criteria for classifying the variant as benign or pathogenic. Thus, the clinical significance of this variant is currently uncertain.

NM_001283009.2(RTEL1):c.3584C>T (p.Ala1195Val)

Genes: RTEL1-TNFRSF6B (RTEL1-TNFRSF6B readthrough (NMD candidate); plus strand), RTEL1 (regulator of telomere elongation helicase 1; plus strand). Cytogenetic location: 20q13.33.
Variant type: single nucleotide variant.
Coding change: c.3584C>T on transcript NM_001283009.2 (MANE Select); coding-DNA position 3584, C replaced by T.
Protein change: p.Ala1195Val; replaces alanine 1195 with valine.
Molecular consequence: missense variant. On other transcripts: non-coding transcript variant (1).
Genome position (GRCh38, 1-based): chr20:63,695,412, C>T. VCF-style: chr20-63695412-C-T. GRCh37 (hg19) VCF-style: chr20-62326765-C-T.
Other names: c.2915C>T, p.Ala972Val (NM_001283010.1); c.3584C>T, p.Ala1195Val (NM_016434.4); c.3656C>T, p.Ala1219Val (NM_032957.5); short protein forms A1195V, A1219V, A972V.
Identifiers: ClinVar variation 1692633 (VCV001692633.8), dbSNP rs778286683, ClinGen allele CA9966131.